The following is an entry in ClinVar:

ClinVar aggregate classification (germline): Uncertain significance (1 of 4 stars; one submission).

Conditions:
Immunodeficiency, common variable, 7. Identifiers: Orphanet 1572, Orphanet 696894, MedGen C3542922, MONDO:0013862, OMIM 614699.

Submission:

Labcorp Genetics (formerly Invitae), Labcorp
Classification: Uncertain significance for Immunodeficiency, common variable, 7. Last evaluated: 2021-06-12. Review status: criteria provided, single submitter. Criteria: Invitae Variant Classification Sherloc (09022015). Collection method: clinical testing. Allele origin: germline.
Comment: This sequence change replaces valine with alanine at codon 552 of the CR2 protein (p.Val552Ala). The valine residue is highly conserved and there is a small physicochemical difference between valine and alanine. This variant is not present in population databases (ExAC no frequency). This variant has not been reported in the literature in individuals with CR2-related conditions. Algorithms developed to predict the effect of missense changes on protein structure and function (SIFT, PolyPhen-2, Align-GVGD) all suggest that this variant is likely to be disruptive, but these predictions have not been confirmed by published functional studies and their clinical significance is uncertain. In summary, the available evidence is currently insufficient to determine the role of this variant in disease. Therefore, it has been classified as a Variant of Uncertain Significance.

NM_001006658.3(CR2):c.1655T>C (p.Val552Ala)

Gene: CR2 (complement C3d receptor 2; plus strand). Cytogenetic location: 1q32.2.
Variant type: single nucleotide variant.
Coding change: c.1655T>C on transcript NM_001006658.3 (MANE Select); coding-DNA position 1655, T replaced by C.
Protein change: p.Val552Ala; replaces valine 552 with alanine.
Molecular consequence: missense variant.
Genome position (GRCh38, 1-based): chr1:207,472,856, T>C. VCF-style: chr1-207472856-T-C. GRCh37 (hg19) VCF-style: chr1-207646201-T-C.
Other names: c.1655T>C, p.Val552Ala (NM_001877.5); short protein forms V552A.
Identifiers: ClinVar variation 1463749 (VCV001463749.8), dbSNP rs2102305778, ClinGen allele CA344533826.